The following is an entry in ClinVar:

NM_000219.6(KCNE1):c.34T>C (p.Phe12Leu)

Gene: KCNE1 (potassium voltage-gated channel subfamily E regulatory subunit 1; minus strand). Cytogenetic location: 21q22.12.
Variant type: single nucleotide variant.
Coding change: c.34T>C on transcript NM_000219.6 (MANE Select); coding-DNA position 34, T replaced by C.
Protein change: p.Phe12Leu; replaces phenylalanine 12 with leucine.
Molecular consequence: missense variant.
Genome position (GRCh38, 1-based): chr21:34,449,601, A>G on the plus strand (T>C on the coding strand, the complement: KCNE1 is on the minus strand). VCF-style: chr21-34449601-A-G. GRCh37 (hg19) VCF-style: chr21-35821899-A-G.
Other names: c.34T>C, p.Phe12Leu (NM_001127668.4, NM_001127669.4, NM_001127670.4 and 4 more transcripts); short protein forms F12L.
Identifiers: ClinVar variation 3373782 (VCV003373782.2).

Conditions:
Long QT syndrome 5 (LQT5). Identifiers: Orphanet 101016, Orphanet 768, MedGen C1867904, MONDO:0013372, OMIM 613695.

Submission:

Roden Lab, Vanderbilt University Medical Center
No classification provided (evidence only). Condition: Long QT syndrome 5. Review status: no classification provided. Collection method: in vitro. Allele origin: not applicable. Functional consequence: Effect on ion channel function.
ClinVar note: "not provided" was previously submitted as the classification for the variant. However, the classification appeared to be based only on an observation of functional data so it was converted to no classification on 2025-07-30.